The following is an entry in ClinVar:

NM_000404.4(GLB1):c.268G>C (p.Glu90Gln)

Gene: GLB1 (galactosidase beta 1; minus strand). Cytogenetic location: 3p22.3.
Variant type: single nucleotide variant.
Coding change: c.268G>C on transcript NM_000404.4 (MANE Select); coding-DNA position 268, G replaced by C.
Protein change: p.Glu90Gln; replaces glutamic acid 90 with glutamine.
Molecular consequence: missense variant. On other transcripts: intron variant (1).
Genome position (GRCh38, 1-based): chr3:33,068,948, C>G on the plus strand (G>C on the coding strand, the complement: GLB1 is on the minus strand). VCF-style: chr3-33068948-C-G. GRCh37 (hg19) VCF-style: chr3-33110440-C-G.
Other names: c.178G>C, p.Glu60Gln (NM_001079811.3); c.412G>C, p.Glu138Gln (NM_001317040.2); c.268G>C, p.Glu90Gln (NM_001393580.1); c.246-3391G>C (NM_001135602.3); short protein forms E90Q, E138Q, E60Q.
Identifiers: ClinVar variation 2107803 (VCV002107803.4), dbSNP rs2471438159, ClinGen allele CA351995379.
Genomic context (GRCh38, chr3:33,068,948, plus strand): 5'-GCCGAAGAAAATATTCCACATCATGGTCCTCAGAAAACTGGTACTGTCCTGGCCAGGGCT[C>G]ATGAAAGTTCCAGGGCACATACCTGCCAAGACACACACAGCCCCTTCCTGGATACTTGGC-3'
Protein context (NP_000395.3, residues 80-100): IQTYVPWNFH[Glu90Gln]PWPGQYQFSE

ClinVar aggregate classification (germline): Uncertain significance (1 of 4 stars; one submission).

Conditions:
GM1 gangliosidosis. Identifiers: Orphanet 354, MedGen C0085131, MONDO:0018149.
Mucopolysaccharidosis, MPS-IV-B (MPS4B). Also called: MORQUIO SYNDROME B; Mucopolysaccharidosis Type IVB (Morquio B Disease); Mucopolysaccharidosis type IV B; Mucopolysaccharidosis Type IVB; Mucopolysaccharidosis type 4B; Mucopolysaccharidosis type IVB (Morquio). Identifiers: Orphanet 309310, Orphanet 582, MedGen C0086652, MONDO:0009660, OMIM 253010.

Submission:

Labcorp Genetics (formerly Invitae), Labcorp
Classification: Uncertain significance for Mucopolysaccharidosis, MPS-IV-B; GM1 gangliosidosis. Last evaluated: 2022-03-09. Review status: criteria provided, single submitter. Criteria: Invitae Variant Classification Sherloc (09022015). Collection method: clinical testing. Allele origin: germline.
Comment: In summary, the available evidence is currently insufficient to determine the role of this variant in disease. Therefore, it has been classified as a Variant of Uncertain Significance. Advanced modeling of protein sequence and biophysical properties (such as structural, functional, and spatial information, amino acid conservation, physicochemical variation, residue mobility, and thermodynamic stability) performed at Invitae indicates that this missense variant is expected to disrupt GLB1 protein function. This variant has not been reported in the literature in individuals affected with GLB1-related conditions. This variant is not present in population databases (gnomAD no frequency). This sequence change replaces glutamic acid, which is acidic and polar, with glutamine, which is neutral and polar, at codon 90 of the GLB1 protein (p.Glu90Gln).